The following is an entry in ClinVar:

ClinVar aggregate classification (germline): Uncertain significance. Review status: criteria provided, multiple submitters, no conflicts (2 of 4 stars). 3 submissions from 3 submitters: Uncertain significance (3). Last evaluated 2025-12-16.

Conditions:
Melanoma and neural system tumor syndrome. Also called: MELANOMA-ASTROCYTOMA SYNDROME. Identifiers: Orphanet 252206, MedGen C1835042, MONDO:0007967, OMIM 155755.
Hereditary cancer-predisposing syndrome. Also called: Hereditary neoplastic syndrome; Tumor predisposition; Neoplastic Syndromes, Hereditary; Hereditary Cancer Syndrome. Identifiers: Orphanet 140162, MedGen C0027672, MeSH D009386, MONDO:0015356.
Familial melanoma. Also called: Hereditary melanoma; Hereditary cutaneous melanoma. Identifiers: Orphanet 618, MedGen C1512419, MONDO:0018961.

Submissions (3):

Labcorp Genetics (formerly Invitae), Labcorp
Classification: Uncertain significance for Familial melanoma. Last evaluated: 2025-12-16. Review status: criteria provided, single submitter. Criteria: Invitae Variant Classification Sherloc (09022015). Collection method: clinical testing. Allele origin: germline.
Comment: The CDKN2A gene encodes two different proteins, p16INK4a and p14ARF, which are translated from alternative transcripts with different open reading frames. Both transcripts have been analyzed. We report either the variant with the higher classification or default to the CDKN2A (p16INK4a) variant. This report therefore includes the details for the CDKN2A (p16INK4a) variant. This sequence change replaces cysteine, which is neutral and slightly polar, with serine, which is neutral and polar, at codon 72 of the CDKN2A (p16INK4a) protein (p.Cys72Ser). This variant is not present in population databases (gnomAD no frequency). This variant has not been reported in the literature in individuals affected with CDKN2A (p16INK4a)-related conditions. This variant is also known as c.257T>A (p.Leu86Gln) in the CDKN2A (p14ARF) transcript. ClinVar contains an entry for this variant (Variation ID: 532279). An algorithm developed to predict the effect of missense changes on protein structure and function (PolyPhen-2) suggests that this variant is likely to be tolerated. In summary, the available evidence is currently insufficient to determine the role of this variant in disease. Therefore, it has been classified as a Variant of Uncertain Significance.

Baylor Genetics
Classification: Uncertain significance for Melanoma and neural system tumor syndrome. Last evaluated: 2024-03-14. Review status: criteria provided, single submitter. Criteria: ACMG Guidelines, 2015. Collection method: clinical testing. Allele origin: unknown.

Ambry Genetics
Classification: Uncertain significance for Hereditary cancer-predisposing syndrome. Last evaluated: 2023-04-27. Review status: criteria provided, single submitter. Criteria: Ambry Variant Classification Scheme 2023. Collection method: clinical testing. Allele origin: germline.
Comment: The p.C72S variant (also known as c.214T>A), located in coding exon 2 of the CDKN2A gene, results from a T to A substitution at nucleotide position 214. The cysteine at codon 72 is replaced by serine, an amino acid with dissimilar properties. This amino acid position is not well conserved in available vertebrate species. In addition, the in silico prediction for this alteration is inconclusive. Since supporting evidence is limited at this time, the clinical significance of this alteration remains unclear.

NM_000077.5(CDKN2A):c.214T>A (p.Cys72Ser)

Gene: CDKN2A (cyclin dependent kinase inhibitor 2A; minus strand). Cytogenetic location: 9p21.3.
Variant type: single nucleotide variant.
Coding change: c.214T>A on transcript NM_000077.5; coding-DNA position 214, T replaced by A.
Protein change: p.Cys72Ser; replaces cysteine 72 with serine.
Molecular consequence: missense variant (on NM_000077.6). On other transcripts: 3 prime UTR variant (1).
Genome position (GRCh38, 1-based): chr9:21,971,145, A>T on the plus strand (T>A on the coding strand, the complement: CDKN2A is on the minus strand). VCF-style: chr9-21971145-A-T. GRCh37 (hg19) VCF-style: chr9-21971144-A-T.
Other names: c.214T>A, p.Cys72Ser (NM_000077.6, NM_001195132.2); c.61T>A, p.Cys21Ser (NM_001363763.2); c.257T>A, p.Leu86Gln (NM_058195.4); c.*137T>A (NM_058197.5); short protein forms C72S, L86Q, C21S.
Identifiers: ClinVar variation 532279 (VCV000532279.11), dbSNP rs1554654142, ClinGen allele CA373086315.